The following is an entry in ClinVar:

ClinVar aggregate classification (germline): Conflicting classifications of pathogenicity. Review status: criteria provided, conflicting classifications (1 of 4 stars). 3 submissions from 3 submitters: Uncertain significance (2); Likely benign (1). Last evaluated 2026-01-28.

Conditions:
Inborn genetic diseases. Identifiers: MedGen C0950123, MeSH D030342.
Bifunctional peroxisomal enzyme deficiency (DBIF). Also called: PBFE DEFICIENCY; D-bifunctional protein deficiency; DBP DEFICIENCY. Identifiers: Orphanet 300, MedGen C0342870, MONDO:0009855, OMIM 261515. Disease mechanism: loss of function.
Perrault syndrome. Also called: Gonadal dysgenesis with auditory dysfunction, autosomal recessive inheritance. Identifiers: Orphanet 2855, MedGen C0685838, MONDO:0017312.

Allele frequency attached by ClinVar (database versions not stated): gnomAD 0.00004; gnomAD exomes 0.00001; ExAC 0.00004; TOPMed 0.00004.
gnomAD v4.1: 25 of 1,613,198 alleles (0.0015%); highest among the groups gnomAD compares: East Asian, 0.011%; no homozygotes.

Submissions (3):

Labcorp Genetics (formerly Invitae), Labcorp
Classification: Likely benign for Perrault syndrome; Bifunctional peroxisomal enzyme deficiency. Last evaluated: 2026-01-28. Review status: criteria provided, single submitter. Criteria: Invitae Variant Classification Sherloc (09022015). Collection method: clinical testing. Allele origin: germline.

Mayo Clinic Laboratories, Mayo Clinic
Classification: Uncertain significance. Last evaluated: 2025-07-16. Review status: criteria provided, single submitter. Criteria: ACMG Guidelines, 2015. Collection method: clinical testing. Allele origin: germline. Observed: 1 variant allele.
Comment: BP4_moderate, PM2_supporting

Ambry Genetics
Classification: Uncertain significance for Inborn genetic diseases. Last evaluated: 2025-05-17. Review status: criteria provided, single submitter. Criteria: Ambry Variant Classification Scheme 2023. Collection method: clinical testing. Allele origin: germline.

NM_000414.4(HSD17B4):c.1901G>A (p.Arg634His)

Gene: HSD17B4 (hydroxysteroid 17-beta dehydrogenase 4; plus strand). Cytogenetic location: 5q23.1.
Variant type: single nucleotide variant.
Coding change: c.1901G>A on transcript NM_000414.4 (MANE Select); coding-DNA position 1901, G replaced by A.
Protein change: p.Arg634His; replaces arginine 634 with histidine.
Molecular consequence: missense variant. On other transcripts: non-coding transcript variant (2).
Genome position (GRCh38, 1-based): chr5:119,531,312, G>A. VCF-style: chr5-119531312-G-A. GRCh37 (hg19) VCF-style: chr5-118867007-G-A.
Other names: p.Arg659His; c.1901G>A (NM_000414.3); c.1976G>A, p.Arg659His (NM_001199291.3); c.1847G>A, p.Arg616His (NM_001199292.2); c.1829G>A, p.Arg610His (NM_001292027.2, NM_001374498.1); c.1481G>A, p.Arg494His (NM_001292028.2); c.1892G>A, p.Arg631His (NM_001374497.1); c.1574G>A, p.Arg525His (NM_001374499.1); and 2 more; short protein forms R487H, R494H, R497H, R525H, R616H, R659H, R631H, R610H.
Identifiers: ClinVar variation 2198935 (VCV002198935.7), dbSNP rs752768656, ClinGen allele CA3382461.
Genomic context (GRCh38, chr5:119,531,312, plus strand): 5'-GTTGTCGTTGTTAGGGCGGGAAGCTTCAGAGTACCTTTGTATTTGAGGAAATAGGACGCC[G>A]CCTAAAGGATATTGGGCCTGAGGTGGTGAAGAAAGTAAATGCTGTATTTGAGTGGCATAT-3'
Protein context (NP_000405.1, residues 624-644): STFVFEEIGR[Arg634His]LKDIGPEVVK